The following is an entry in ClinVar:

ClinVar aggregate classification (germline): Likely pathogenic. Review status: criteria provided, multiple submitters, no conflicts (2 of 4 stars). 3 submissions from 3 submitters: Likely pathogenic (2). 1 of the submissions does not count toward it. Last evaluated 2024-02-12.

Conditions:
TH-deficient dopa-responsive dystonia. Also called: DYT-TH; Tyrosine Hydroxylase-Deficient Dopa-Responsive Dystonia; Segawa syndrome, autosomal recessive. Identifiers: Orphanet 101150, MedGen C2673535, MONDO:0011551, OMIM 605407.

gnomAD v4.1: 3 of 1,610,934 alleles (0.00019%); highest among the groups gnomAD compares: Non-Finnish European, 0.00025%; no homozygotes.

Submissions (3):

Baylor Genetics
Classification: Likely pathogenic for TH-deficient dopa-responsive dystonia. Last evaluated: 2024-02-12. Review status: criteria provided, single submitter. Criteria: ACMG Guidelines, 2015. Collection method: clinical testing. Allele origin: unknown.

Labcorp Genetics (formerly Invitae), Labcorp
Classification: Likely pathogenic for TH-deficient dopa-responsive dystonia. Last evaluated: 2023-05-02. Review status: criteria provided, single submitter. Criteria: Invitae Variant Classification Sherloc (09022015). Collection method: clinical testing. Allele origin: germline.
Comment: This sequence change affects a donor splice site in intron 1 of the TH gene. It is expected to disrupt RNA splicing. Variants that disrupt the donor or acceptor splice site typically lead to a loss of protein function (PMID: 16199547), and loss-of-function variants in TH are known to be pathogenic (PMID: 22264700, 24753243). This variant is not present in population databases (gnomAD no frequency). This variant has not been reported in the literature in individuals affected with TH-related conditions. ClinVar contains an entry for this variant (Variation ID: 554683). Algorithms developed to predict the effect of sequence changes on RNA splicing suggest that this variant may disrupt the consensus splice site. In summary, the currently available evidence indicates that the variant is pathogenic, but additional data are needed to prove that conclusively. Therefore, this variant has been classified as Likely Pathogenic.

Counsyl
Classification: Uncertain significance for TH-deficient dopa-responsive dystonia. Last evaluated: 2017-10-31. Review status: no assertion criteria provided. Collection method: clinical testing. Allele origin: unknown. Not counted in ClinVar's aggregate classification.

Literature cited by the submitters: PubMed 16199547 (cited by Labcorp Genetics (formerly Invitae), Labcorp); PubMed 22264700 (cited by Labcorp Genetics (formerly Invitae), Labcorp); PubMed 24753243 (cited by Labcorp Genetics (formerly Invitae), Labcorp).

NM_000360.4(TH):c.90+13G>T

Gene: TH (tyrosine hydroxylase; minus strand). Cytogenetic location: 11p15.5.
Variant type: single nucleotide variant.
Coding change: c.90+13G>T on transcript NM_000360.4 (MANE Select); 13 bases into the intron after coding-DNA position 90, G replaced by T.
Molecular consequence: intron variant. On other transcripts: splice donor variant (1).
Genome position (GRCh38, 1-based): chr11:2,171,684, C>A on the plus strand (G>T on the coding strand, the complement: TH is on the minus strand). VCF-style: chr11-2171684-C-A. GRCh37 (hg19) VCF-style: chr11-2192914-C-A.
Other names: c.90+13G>T (NM_199293.3); c.102+1G>T (NM_199292.3).
Identifiers: ClinVar variation 554683 (VCV000554683.12), dbSNP rs77140743, ClinGen allele CA216229890.